The following is an entry in ClinVar:

NM_003722.5(TP63):c.1138C>T (p.Gln380Ter)

Gene: TP63 (tumor protein p63; plus strand). Cytogenetic location: 3q28.
Variant type: single nucleotide variant.
Coding change: c.1138C>T on transcript NM_003722.5 (MANE Select); coding-DNA position 1138, C replaced by T.
Protein change: p.Gln380Ter; replaces glutamine 380 with a stop codon.
Molecular consequence: nonsense.
Genome position (GRCh38, 1-based): chr3:189,869,332, C>T. VCF-style: chr3-189869332-C-T. GRCh37 (hg19) VCF-style: chr3-189587121-C-T.
Other names: c.1138C>T, p.Gln380Ter (NM_001114978.2, NM_001114979.2, NM_001329144.2); c.856C>T, p.Gln286Ter (NM_001114980.2, NM_001114981.2, NM_001114982.2 and 1 more transcripts); c.601C>T, p.Gln201Ter (NM_001329146.2); c.1126C>T, p.Gln376Ter (NM_001329148.2); c.844C>T, p.Gln282Ter (NM_001329149.2); c.589C>T, p.Gln197Ter (NM_001329150.2); c.1132C>T, p.Gln378Ter (NM_001329964.2); short protein forms Q378*, Q197*, Q376*, Q201*, Q282*, Q286*, Q380*.
Identifiers: ClinVar variation 4828161 (VCV004828161.1).

ClinVar aggregate classification (germline): Pathogenic (1 of 4 stars; one submission).

Conditions:
Inborn genetic diseases. Identifiers: MedGen C0950123, MeSH D030342.

Submission:

Ambry Genetics
Classification: Pathogenic for Inborn genetic diseases. Last evaluated: 2026-01-12. Review status: criteria provided, single submitter. Criteria: Ambry Variant Classification Scheme 2023. Collection method: clinical testing. Allele origin: germline.
Comment: The c.1138C>T (p.Q380*) alteration, located in exon 9 (coding exon 9) of the TP63 gene, consists of a C to T substitution at nucleotide position 1138. This changes the amino acid from a glutamine (Q) to a stop codon at amino acid position 380. This alteration is expected to result in loss of function by premature protein truncation or nonsense-mediated mRNA decay. for TP63-related ectodermal dysplasia and multiple congenital anomalies; however, its clinical significance for TP63-related primary ovarian insufficiency is uncertain. This variant was not reported in population-based cohorts in the Genome Aggregation Database (gnomAD). Based on the available evidence, this alteration is classified as pathogenic.